The following is an entry in ClinVar:

ClinVar aggregate classification (germline): Pathogenic (1 of 4 stars; one submission).

Conditions:
Mitochondrial myopathy-cerebellar ataxia-pigmentary retinopathy syndrome. Also called: MYOPATHY, MITOCHONDRIAL, AND ATAXIA. Identifiers: Orphanet 502423, MedGen C4540096, MONDO:0044714, OMIM 617675.

Submission:

3billion
Classification: Pathogenic for Mitochondrial myopathy-cerebellar ataxia-pigmentary retinopathy syndrome. Last evaluated: 2024-08-29. Review status: criteria provided, single submitter. Criteria: ACMG Guidelines, 2015. Collection method: clinical testing. Allele origin: germline. Affected: yes.
Comment: The variant is not observed in the gnomAD v4.0.0 dataset. Predicted Consequence/Location: Frameshift: predicted to result in a loss or disruption of normal protein function through nonsense-mediated decay (NMD) or protein truncation. Multiple pathogenic variants are reported downstream of the variant. Therefore, this variant is classified as Pathogenic according to the recommendation of ACMG/AMP guideline.

NM_018116.4(MSTO1):c.595del (p.Glu199fs)

Gene: MSTO1 (misato mitochondrial distribution and morphology regulator 1; plus strand). Cytogenetic location: 1q22.
Variant type: Deletion.
Coding change: c.595del on transcript NM_018116.4 (MANE Select); coding-DNA position 595, one base deleted (G; older notation c.595delG).
Protein change: p.Glu199fs; shifts the reading frame from glutamic acid 199.
Molecular consequence: frameshift variant. On other transcripts: non-coding transcript variant (6).
Genome position (GRCh38, 1-based): chr1:155,612,017, G deleted; the last of 4 consecutive G bases (chr1:155,612,014-155,612,017); deleting any one gives the same sequence. VCF-style (leftmost placement, unchanged base first): chr1-155612013-AG-A. GRCh37 (hg19) VCF-style: chr1-155581804-AG-A.
Other names: c.595del, p.Glu199fs (NM_001256532.1, NM_001256533.1, NM_001350772.1 and 3 more transcripts); c.430del, p.Glu144fs (NM_001350776.1); c.64del, p.Glu22fs (NM_001350777.1, NM_001350778.1, NM_001350779.1); c.61del, p.Glu21fs (NM_001350780.1, NM_001350781.1, NM_001350782.1 and 3 more transcripts); c.52del, p.Glu18fs (NM_001350784.1, NM_001350785.1, NM_001350787.1 and 1 more transcripts); short protein forms E144fs, E18fs, E199fs, E21fs, E22fs.
Identifiers: ClinVar variation 4293810 (VCV004293810.1).